The following is an entry in ClinVar:

ClinVar aggregate classification (germline): Uncertain significance (1 of 4 stars; one submission).

Conditions:
Peutz-Jeghers syndrome (PJS). Also called: POLYPOSIS, HAMARTOMATOUS INTESTINAL; POLYPS-AND-SPOTS SYNDROME; Peutz-Jeghers polyposis; Periorificial lentiginosis syndrome. Identifiers: Orphanet 2869, MedGen C0031269, MeSH D010580, MONDO:0008280, OMIM 175200.

Submission:

Labcorp Genetics (formerly Invitae), Labcorp
Classification: Uncertain significance for Peutz-Jeghers syndrome. Last evaluated: 2024-04-24. Review status: criteria provided, single submitter. Criteria: Invitae Variant Classification Sherloc (09022015). Collection method: clinical testing. Allele origin: germline.
Comment: This sequence change replaces tyrosine, which is neutral and polar, with cysteine, which is neutral and slightly polar, at codon 246 of the STK11 protein (p.Tyr246Cys). This variant is not present in population databases (gnomAD no frequency). This variant has not been reported in the literature in individuals affected with STK11-related conditions. ClinVar contains an entry for this variant (Variation ID: 578378). An algorithm developed to predict the effect of missense changes on protein structure and function (PolyPhen-2) suggests that this variant is likely to be disruptive. In summary, the available evidence is currently insufficient to determine the role of this variant in disease. Therefore, it has been classified as a Variant of Uncertain Significance.

NM_000455.5(STK11):c.737A>G (p.Tyr246Cys)

Gene: STK11 (serine/threonine kinase 11; plus strand). Cytogenetic location: 19p13.3.
Variant type: single nucleotide variant.
Coding change: c.737A>G on transcript NM_000455.5 (MANE Select); coding-DNA position 737, A replaced by G.
Protein change: p.Tyr246Cys; replaces tyrosine 246 with cysteine.
Molecular consequence: missense variant.
Genome position (GRCh38, 1-based): chr19:1,221,215, A>G. VCF-style: chr19-1221215-A-G. GRCh37 (hg19) VCF-style: chr19-1221214-A-G.
Other names: short protein forms Y246C.
Identifiers: ClinVar variation 578378 (VCV000578378.8), dbSNP rs1568709113, ClinGen allele CA402950320.